The following is an entry in ClinVar:

ClinVar aggregate classification (germline): Uncertain significance (1 of 4 stars; one submission).

Submission:

Labcorp Genetics (formerly Invitae), Labcorp
Classification: Uncertain significance. Last evaluated: 2025-11-30. Review status: criteria provided, single submitter. Criteria: Invitae Variant Classification Sherloc (09022015). Collection method: clinical testing. Allele origin: germline.
Comment: This sequence change replaces glycine, which is neutral and non-polar, with arginine, which is basic and polar, at codon 654 of the FLNB protein (p.Gly654Arg). This variant is not present in population databases (gnomAD no frequency). This variant has not been reported in the literature in individuals affected with FLNB-related conditions. Invitae Evidence Modeling of protein sequence and biophysical properties (such as structural, functional, and spatial information, amino acid conservation, physicochemical variation, residue mobility, and thermodynamic stability) indicates that this missense variant is expected to disrupt FLNB protein function with a positive predictive value of 80%. In summary, the available evidence is currently insufficient to determine the role of this variant in disease. Therefore, it has been classified as a Variant of Uncertain Significance.

NM_001457.4(FLNB):c.1960G>C (p.Gly654Arg)

Gene: FLNB (filamin B; plus strand). Cytogenetic location: 3p14.3.
Variant type: single nucleotide variant.
Coding change: c.1960G>C on transcript NM_001457.4 (MANE Select); coding-DNA position 1960, G replaced by C.
Protein change: p.Gly654Arg; replaces glycine 654 with arginine.
Molecular consequence: missense variant.
Genome position (GRCh38, 1-based): chr3:58,108,476, G>C. VCF-style: chr3-58108476-G-C. GRCh37 (hg19) VCF-style: chr3-58094203-G-C.
Other names: c.1960G>C, p.Gly654Arg (NM_001164317.2, NM_001164318.2, NM_001164319.2); short protein forms G654R.
Identifiers: ClinVar variation 4801690 (VCV004801690.1).